The following is an entry in ClinVar:

ClinVar aggregate classification (germline): Benign/Likely benign. Review status: criteria provided, multiple submitters, no conflicts (2 of 4 stars). 5 submissions from 5 submitters: Benign (1); Likely benign (4). Last evaluated 2026-08-04.

Conditions:
Hereditary cancer-predisposing syndrome. Also called: Hereditary Cancer Syndrome; Hereditary neoplastic syndrome; Neoplastic Syndromes, Hereditary; Tumor predisposition. Identifiers: Orphanet 140162, MedGen C0027672, MeSH D009386, MONDO:0015356.
Hereditary pheochromocytoma and paraganglioma. Also called: Hereditary Paraganglioma-Pheochromocytoma Syndromes; Hereditary paragangliomas and pheochromocytomas; Hereditary pheochromocytoma-paraganglioma. Identifiers: Orphanet 29072, MedGen C4274332, MONDO:0017366.
Pheochromocytoma/paraganglioma syndrome 2. Also called: GLOMUS TUMORS, FAMILIAL, 2; Paragangliomas 2; SDHAF2-Related Hereditary Paraganglioma-Pheochromocytoma Syndrome (Paragangliomas 2); SDHAF2-Related Hereditary Paraganglioma-Pheochromocytoma Syndrome. Identifiers: Orphanet 29072, MedGen C1866552, MONDO:0011121, OMIM 601650.

gnomAD v4.1: 27 of 1,614,240 alleles (0.0017%); highest among the groups gnomAD compares: East Asian, 0.0022%; no homozygotes.

Submissions (5):

Myriad Genetics, Inc.
Classification: Benign for Pheochromocytoma/paraganglioma syndrome 2. Last evaluated: 2026-08-04. Review status: criteria provided, single submitter. Criteria: Myriad Autosomal Dominant, Autosomal Recessive and X-Linked Classification Criteria (2023). Collection method: clinical testing. Allele origin: unknown.
Comment: This variant is considered benign. This variant is a silent/synonymous amino acid change and it is not expected to impact splicing.

Labcorp Genetics (formerly Invitae), Labcorp
Classification: Likely benign for Hereditary pheochromocytoma and paraganglioma. Last evaluated: 2025-10-21. Review status: criteria provided, single submitter. Criteria: Invitae Variant Classification Sherloc (09022015). Collection method: clinical testing. Allele origin: germline.

All of Us Research Program, National Institutes of Health
Classification: Likely benign for Hereditary pheochromocytoma and paraganglioma. Last evaluated: 2023-12-13. Review status: criteria provided, single submitter. Criteria: ACMG Guidelines, 2015. Collection method: clinical testing. Allele origin: germline. Inheritance: Autosomal dominant inheritance. Observed: 2 variant alleles, 2 heterozygotes.
Comment: This study involves interpretation of variants in research participants for the purpose of population health screening. Participant phenotype was not available at the time of variant classification. Additional details can be found in publication PMID: 35346344, PMCID: PMC8962531

Color Diagnostics, LLC DBA Color Health
Classification: Likely benign for Hereditary pheochromocytoma and paraganglioma. Last evaluated: 2022-11-06. Review status: criteria provided, single submitter. Criteria: ACMG Guidelines, 2015. Collection method: clinical testing. Allele origin: germline.

Ambry Genetics
Classification: Likely benign for Hereditary cancer-predisposing syndrome. Last evaluated: 2018-05-09. Review status: criteria provided, single submitter. Criteria: Ambry Variant Classification Scheme 2023. Collection method: clinical testing. Allele origin: germline.

NM_017841.4(SDHAF2):c.21C>T (p.Phe7=)

Gene: SDHAF2 (succinate dehydrogenase complex assembly factor 2; plus strand). Cytogenetic location: 11q12.2.
Variant type: single nucleotide variant.
Coding change: c.21C>T on transcript NM_017841.4 (MANE Select); coding-DNA position 21, C replaced by T.
Protein change: p.Phe7=; no amino-acid change (phenylalanine 7 retained).
Molecular consequence: synonymous variant.
Genome position (GRCh38, 1-based): chr11:61,430,167, C>T. VCF-style: chr11-61430167-C-T. GRCh37 (hg19) VCF-style: chr11-61197639-C-T.
Identifiers: ClinVar variation 416794 (VCV000416794.18), dbSNP rs892955355, ClinGen allele CA16613364.